The following is an entry in ClinVar:

ClinVar aggregate classification (germline): Uncertain significance (1 of 4 stars; one submission).

Submission:

GeneDx
Classification: Uncertain significance. Last evaluated: 2019-11-12. Review status: criteria provided, single submitter. Criteria: GeneDx Variant Classification Process June 2021. Collection method: clinical testing. Allele origin: germline. Affected: yes.
Comment: Not observed in large population cohorts (Lek et al., 2016); Frameshift variant predicted to result in protein truncation or nonsense mediated decay in a gene for which loss-of-function is not a known mechanism of disease; Has not been previously published as pathogenic or benign to our knowledge; Variants in candidate genes are classified as variants of uncertain significance in accordance with ACMG guidelines (Richards et al., 2015)

NM_001252102.2(KIF21B):c.1719del (p.Lys573fs)

Gene: KIF21B (kinesin family member 21B; minus strand). Cytogenetic location: 1q32.1.
Variant type: Deletion.
Coding change: c.1719del on transcript NM_001252102.2 (MANE Select); coding-DNA position 1719, one base deleted (A; older notation c.1719delA).
Protein change: p.Lys573fs; shifts the reading frame from lysine 573.
Molecular consequence: frameshift variant.
Genome position (GRCh38, 1-based): chr1:200,999,931, T deleted on the plus strand (A on the coding strand, the reverse complement: KIF21B is on the minus strand); the first of 4 consecutive T bases (chr1:200,999,931-200,999,934); deleting any one gives the same sequence. VCF-style (leftmost placement, unchanged base first): chr1-200999930-GT-G. GRCh37 (hg19) VCF-style: chr1-200969058-GT-G.
Other names: c.1719delA (NM_017596.3); c.1719del, p.Lys573fs (NM_001252100.2, NM_001252103.2, NM_017596.4); short protein forms K573fs.
Identifiers: ClinVar variation 451005 (VCV000451005.4), dbSNP rs1553240713, ClinGen allele CA658656983.